The following is an entry in ClinVar:

ClinVar aggregate classification (germline): Uncertain significance (1 of 4 stars; one submission).

Conditions:
Kabuki syndrome. Also called: NIIKAWA-KUROKI SYNDROME; Kabuki make-up syndrome. Identifiers: Orphanet 2322, MedGen C0796004, MONDO:0016512.

Allele frequency attached by ClinVar (database versions not stated): gnomAD 0.00001; TOPMed 0.00001.
gnomAD v4.1: 1 of 1,613,564 alleles (0.000062%); highest among the groups gnomAD compares: Non-Finnish European, 0.000085%; no homozygotes.

Submission:

Labcorp Genetics (formerly Invitae), Labcorp
Classification: Uncertain significance for Kabuki syndrome. Last evaluated: 2023-09-04. Review status: criteria provided, single submitter. Criteria: Invitae Variant Classification Sherloc (09022015). Collection method: clinical testing. Allele origin: germline.
Comment: This sequence change replaces glycine, which is neutral and non-polar, with arginine, which is basic and polar, at codon 4437 of the KMT2D protein (p.Gly4437Arg). This variant is present in population databases (no rsID available, gnomAD 0.01%). This variant has not been reported in the literature in individuals affected with KMT2D-related conditions. Advanced modeling of protein sequence and biophysical properties (such as structural, functional, and spatial information, amino acid conservation, physicochemical variation, residue mobility, and thermodynamic stability) performed at Invitae indicates that this missense variant is not expected to disrupt KMT2D protein function. In summary, the available evidence is currently insufficient to determine the role of this variant in disease. Therefore, it has been classified as a Variant of Uncertain Significance.

NM_003482.4(KMT2D):c.13309G>A (p.Gly4437Arg)

Gene: KMT2D (lysine methyltransferase 2D; minus strand). Cytogenetic location: 12q13.12.
Variant type: single nucleotide variant.
Coding change: c.13309G>A on transcript NM_003482.4 (MANE Select); coding-DNA position 13309, G replaced by A.
Protein change: p.Gly4437Arg; replaces glycine 4437 with arginine.
Molecular consequence: missense variant.
Genome position (GRCh38, 1-based): chr12:49,031,396, C>T on the plus strand (G>A on the coding strand, the complement: KMT2D is on the minus strand). VCF-style: chr12-49031396-C-T. GRCh37 (hg19) VCF-style: chr12-49425179-C-T.
Other names: short protein forms G4437R.
Identifiers: ClinVar variation 2878893 (VCV002878893.3), dbSNP rs943166162, ClinGen allele CA236638614.